The following continues an entry in ClinVar:

NM_000372.5(TYR):c.1037-7T>A

Gene: TYR. ClinVar aggregate classification (germline): Pathogenic/Likely pathogenic. Pathogenic (34); Likely pathogenic (6).

Submissions 10 to 28 of 46:

Laboratory of Genetic Epidemiology, Research Centre for Medical Genetics
Classification: Likely pathogenic for Oculocutaneous albinism type 1A; Oculocutaneous albinism type 1B. Last evaluated: 2025-01-01. Review status: criteria provided, single submitter. Criteria: ACMG Guidelines, 2015. Collection method: clinical testing. Allele origin: paternal. Inheritance: Autosomal recessive inheritance. Affected: yes. Observed: 1 compound heterozygote.
Comment: The splicing variant NM_000372.5:с.1037-7T>A was identified in 15 probands diagnosed with albinism, for two of them in homozygous state. The variant is listed in gnomAD v3.1.2 with allele frequency 0.0003 in Europe (21/68022). According to splicing predictors (SpliceAI), the variant is predicted to affect splicing (acceptor gain with score 0.95). The functional analysis was conducted for this variant, as a result the variant leads to the destruction of the intron 2 acceptor splice site, followed by activation of the cryptic splicing site in this intron. As a result, an aberrant isoform is formed, in which exon 3 is elongated by 5 nucleotides (ex3_ins5), which leads to the formation of a premature stop codon (NP_000363.1:p.Gly345GlufsTer11)at the protein level. The variant NM_000372.5:с.1037-7T>A, p.Gly345GlufsTer11 was identified with significantly population frequency in the Russia by The National Genetic Initiative “100 000+Me” (0.0006; 54/85436) compared to other ethnic groups (GnomAD). Taken together, the variant meets the following ACMG/AMP criteria and can be classified as likely pathogenic with PM2, PS3, PM3, PP4 criteria.

Blueprint Genetics
Classification: Pathogenic for TYR-related disorders. Last evaluated: 2024-11-18. Review status: criteria provided, single submitter. Criteria: ACMG Guidelines, 2015. Collection method: clinical testing. Allele origin: germline. Affected: yes. Observed: 5 variant alleles.

NHS Central & South Genomic Laboratory Hub
Classification: Pathogenic for Albinism or congenital nystagmus. Last evaluated: 2024-11-11. Review status: criteria provided, single submitter. Criteria: ACMG Guidelines, 2015. Collection method: clinical testing. Allele origin: germline. Affected: yes.

Revvity Omics, Revvity
Classification: Pathogenic. Last evaluated: 2024-08-12. Review status: criteria provided, single submitter. Criteria: ACMG Guidelines, 2015. Collection method: clinical testing. Allele origin: germline.

Department of Human Genetics, Hannover Medical School
Classification: Likely pathogenic for Oculocutaneous albinism type 1B. Last evaluated: 2024-07-24. Review status: criteria provided, single submitter. Criteria: ACMG Guidelines, 2015. Collection method: clinical testing. Allele origin: germline. Affected: yes.

3billion
Classification: Pathogenic for TYR-related disorder. Last evaluated: 2024-06-12. Review status: criteria provided, single submitter. Criteria: ACMG Guidelines, 2015. Collection method: clinical testing. Allele origin: germline. Affected: yes.
Comment: The variant is observed at an extremely low frequency in the gnomAD v4.0.0 dataset (total allele frequency: 0.050%). Predicted Consequence/Location: Intron variant In silico tools predict the variant to alter splicing and produce an abnormal transcript [SpliceAI: 0.95 (>=0.2, moderate evidence for spliceogenicity)]. The variant has been reported to be in trans with a pathogenic variant as either compound heterozygous or homozygous in at least 2 similarly affected unrelated individuals (PMID: 15381243, 18326704, 18463683, 22294196, 24721949, 25919014, 28629449). The variant has been reported at least twice as pathogenic with clinical assertions and evidence for the classification (ClinVar ID: VCV000099527 /PMID: 8217557). Therefore, this variant is classified as Pathogenic according to the recommendation of ACMG/AMP guideline.

Fulgent Genetics
Classification: Pathogenic for Oculocutaneous albinism type 1A; SKIN/HAIR/EYE PIGMENTATION 3, LIGHT/DARK SKIN; Oculocutaneous albinism type 1B. Last evaluated: 2024-05-31. Review status: criteria provided, single submitter. Criteria: ACMG Guidelines, 2015. Collection method: clinical testing. Allele origin: germline.

Baylor Genetics
Classification: Likely pathogenic for SKIN/HAIR/EYE PIGMENTATION 3, LIGHT/DARK SKIN. Last evaluated: 2024-03-30. Review status: criteria provided, single submitter. Criteria: ACMG Guidelines, 2015. Collection method: clinical testing. Allele origin: unknown.

Department of Pathology and Laboratory Medicine, Sinai Health System
Classification: Pathogenic for Oculocutaneous albinism type 1B; Oculocutaneous albinism type 1A. Last evaluated: 2023-08-07. Review status: criteria provided, single submitter. Criteria: ACMG Guidelines, 2015. Collection method: research. Allele origin: germline.

Women's Health and Genetics/Laboratory Corporation of America, LabCorp
Classification: Pathogenic for Oculocutaneous albinism. Last evaluated: 2023-02-14. Review status: criteria provided, single submitter. Criteria: LabCorp Variant Classification Summary - May 2015. Collection method: clinical testing. Allele origin: germline.
Comment: Variant summary: TYR c.1037-7T>A alters a non-conserved nucleotide located close to a canonical splice site and therefore could affect mRNA splicing, leading to a significantly altered protein sequence. Several computational tools predict a significant impact on normal splicing: Two predict the variant abolishes a canonical 3' acceptor site and one predicts the variant weakens the 3' acceptor site. Four predict the variant creates a new 3' acceptor site upstream from the canonical splice site. At least one publication reports experimental evidence that this variant indeed affects mRNA splicing by generating an abnormal splicing site, resulting in the insertion of 4 nucleotides which creates a premature termination codon downstream (e.g. Goto_2004). The variant allele was found at a frequency of 0.00095 in 249548 control chromosomes in the gnomAD database, including 1 homozygote. This frequency is not significantly higher than estimated for a pathogenic variant in TYR causing Oculocutaneous Albinism (0.00095 vs 0.0056), allowing no conclusion about variant significance. c.1037-7T>A has been reported in the literature in the homozygous and compound heterozygous state in multiple individuals affected with Oculocutaneous Albinism (e.g. Goto_2004, Lasseaux_2018). These data indicate that the variant is very likely to be associated with disease. Twenty-one submitters have provided clinical-significance assessments for this variant to ClinVar after 2014 and all classified the variant as pathogenic (n=19)/likely pathogenic (n=2). Based on the evidence outlined above, the variant was classified as pathogenic.

New York Genome Center
Classification: Pathogenic for Oculocutaneous albinism type 1B; Oculocutaneous albinism type 1A. Last evaluated: 2023-02-09. Review status: criteria provided, single submitter. Criteria: NYGC Assertion Criteria 2020. Collection method: clinical testing. Allele origin: inherited. Affected: yes. Observed: 1 homozygote. Study: CSER-NYCKidSeq.
Comment: The homozygous c.1037-7T>A variant identified in the TYR gene is a non-canonical splice site variant at the -7 position within intron 2/4. In silico algorithm SpliceAI predicts this variant to lead to the gain of a splice acceptor site 2bp downstream of the variant (Delta score 0.95), and the Transcript inferred Pathogenicity Score (TraP) is 0.519, which is >99% score-percentile, suggesting it is probably damaging to splicing. This variant is reported by multiple independent labs in ClinVar as Pathogenic or Likely Pathogenic (VarID:99527), and it has been reported in multiple affected individuals in the literature in both homozygous state [PMID:28629449, 28266639, others], and in compound heterozygosity with a second variant in TYR [PMID:13680365, 18326704, 19060277, others]. Given its presence in many affected individuals in the literature and in silico prediction of a damaging effect on splicing the homozygous c.1037-7T>A variant identified in the TYR gene is reported as Pathogenic.

New York Genome Center
Classification: Pathogenic for Oculocutaneous albinism type 1B; Oculocutaneous albinism type 1A. Last evaluated: 2023-02-09. Review status: criteria provided, single submitter. Criteria: NYGC Assertion Criteria 2020. Collection method: clinical testing. Allele origin: inherited. Observed: 1 homozygote. Study: PrenatalSEQ.
Comment: the same text as in the submission from New York Genome Center above.

MGZ Medical Genetics Center
Classification: Pathogenic for Oculocutaneous albinism type 1A. Last evaluated: 2022-08-23. Review status: criteria provided, single submitter. Criteria: ACMG Guidelines, 2015. Collection method: clinical testing. Allele origin: germline. Affected: yes. Observed: 2 variant alleles.
Comment: ACMG criteria applied: PS4, PP1_STR, PM3, PP3

Centre of Medical Genetics, University Hospital Muenster
Classification: Pathogenic. Last evaluated: 2021-12-20. Review status: criteria provided, single submitter. Criteria: ACMG Guidelines, 2015. Collection method: clinical testing. Allele origin: unknown. Affected: yes. Observed: 1 variant allele, 1 heterozygote.
Comment: ACMG categories: PS1,PM1,PM3,PP3,PP5

Laboratory of Medical Genetics, National & Kapodistrian University of Athens
Classification: Pathogenic for Oculocutaneous albinism type 1A. Last evaluated: 2021-10-01. Review status: criteria provided, single submitter. Criteria: ACMG Guidelines, 2015. Collection method: clinical testing. Allele origin: unknown. Affected: yes.
Comment: PM1, PM2, PP2, PP4, PP5

Institute of Human Genetics, Heidelberg University
Classification: Pathogenic for Oculocutaneous albinism type 1B. Last evaluated: 2021-08-23. Review status: criteria provided, single submitter. Criteria: ACMG Guidelines, 2015. Collection method: clinical testing. Allele origin: maternal. Affected: yes.

Genome-Nilou Lab
Classification: Pathogenic for Oculocutaneous albinism type 1A. Last evaluated: 2021-07-22. Review status: criteria provided, single submitter. Criteria: ACMG Guidelines, 2015. Collection method: clinical testing. Allele origin: germline. Affected: no.

Kariminejad - Najmabadi Pathology & Genetics Center
Classification: Pathogenic for Abnormality of the skin. Last evaluated: 2021-07-10. Review status: criteria provided, single submitter. Criteria: ACMG Guidelines, 2015. Collection method: clinical testing. Allele origin: germline. Affected: yes.

Hadassah Hebrew University Medical Center
Classification: Pathogenic for Albinism, oculocutaneous, type IA. Last evaluated: 2019-06-20. Review status: criteria provided, single submitter. Criteria: ACMG Guidelines, 2015. Collection method: clinical testing. Allele origin: germline. Affected: yes.